The following is an entry in ClinVar:

ClinVar aggregate classification (germline): Likely pathogenic (1 of 4 stars; one submission).

Conditions:
CPE-related disorder. Also called: CPE-related condition.

Submission:

PreventionGenetics, part of Exact Sciences
Classification: Likely pathogenic for CPE-related condition. Last evaluated: 2025-06-16. Review status: criteria provided, single submitter. Criteria: ACMG Guidelines, 2015. Collection method: clinical testing. Allele origin: germline.
Comment: The CPE c.179dupG variant is predicted to result in a frameshift and premature protein termination (p.Glu61Argfs*41). To our knowledge, this variant has not been reported in the literature or in a large population database (gnomAD), indicating this variant is rare. Truncating variants upstream of this position have been reported in individuals with autosomal recessive obesity, intellectual disability, and hypogonadotropic hypogonadism phenotypes (see, for example, Bosch et al. 2021. PubMed ID: 34383079; Durmaz et al. 2020. PubMed ID: 32936766). Frameshift variants in CPE are expected to be pathogenic. This variant is interpreted as likely pathogenic.

NM_001873.4(CPE):c.179dup (p.Glu61fs)

Gene: CPE (carboxypeptidase E; plus strand). Cytogenetic location: 4q32.3.
Variant type: Duplication.
Coding change: c.179dup on transcript NM_001873.4 (MANE Select); coding-DNA position 179, one base duplicated (G; older notation c.179dupG).
Protein change: p.Glu61fs; shifts the reading frame from glutamic acid 61.
Molecular consequence: frameshift variant.
Genome position (GRCh38, 1-based): chr4:165,379,400, G duplicated. VCF-style (leftmost placement, unchanged base first): chr4-165379399-C-CG. GRCh37 (hg19) VCF-style: chr4-166300551-C-CG.
Other names: short protein forms E61fs.
Identifiers: ClinVar variation 4984423 (VCV004984423.1).
Genomic context (GRCh38, chr4:165,379,399, plus strand): 5'-CGCCGGCGGCTGCAGCAAGAGGACGGCATCTCCTTCGAGTACCACCGCTACCCCGAGCTG[C>CG]GCGAGGCGCTCGTGTCCGTGTGGCTGCAGTGCACCGCCATCAGCAGGATTTACACGGTGG-3'